The following is an entry in ClinVar:

NM_003049.4(SLC10A1):c.997G>A (p.Ala333Thr)

Gene: SLC10A1 (solute carrier family 10 member 1; minus strand). Cytogenetic location: 14q24.1.
Variant type: single nucleotide variant.
Coding change: c.997G>A on transcript NM_003049.4 (MANE Select); coding-DNA position 997, G replaced by A.
Protein change: p.Ala333Thr; replaces alanine 333 with threonine.
Molecular consequence: missense variant.
Genome position (GRCh38, 1-based): chr14:69,776,335, C>T on the plus strand (G>A on the coding strand, the complement: SLC10A1 is on the minus strand). VCF-style: chr14-69776335-C-T. GRCh37 (hg19) VCF-style: chr14-70243052-C-T.
Other names: short protein forms A333T.
Identifiers: ClinVar variation 2317714 (VCV002317714.4), dbSNP rs762396962, ClinGen allele CA7245874.
Genomic context (GRCh38, chr14:69,776,335, plus strand): 5'-GGAAGGGCTAGGCTGTGCAAGGGGAGCAGTCCTCCCCTTTGTAGGTGCCATTTCCCAGAG[C>T]TCCTGGAATTGTTTCTTCAGTTGTGGCAGCTGTGTAGATCATTTTTGTTTTATCTGTAAA-3'
Protein context (NP_003040.1, residues 323-343): AATTEETIPG[Ala333Thr]LGNGTYKGED

ClinVar aggregate classification (germline): Uncertain significance. Review status: criteria provided, multiple submitters, no conflicts (2 of 4 stars). 2 submissions from 2 submitters: Uncertain significance (2). Last evaluated 2026-08-10.

Conditions:
SLC10A1-related disorder. Also called: SLC10A1-related condition.

Allele frequency attached by ClinVar (database versions not stated): ExAC 0.00001; gnomAD exomes 0.00001; TOPMed 0.00005; gnomAD 0.00007.
gnomAD v4.1: 40 of 1,613,744 alleles (0.0025%); highest among the groups gnomAD compares: African/African-American, 0.012%; no homozygotes.

Submissions (2):

PreventionGenetics, part of Exact Sciences
Classification: Uncertain significance for SLC10A1-related condition. Last evaluated: 2026-08-10. Review status: criteria provided, single submitter. Criteria: ACMG Guidelines, 2015. Collection method: clinical testing. Allele origin: germline.
Comment: The SLC10A1 c.997G>A variant is predicted to result in the amino acid substitution p.Ala333Thr. To our knowledge, this variant has not been reported in the literature. This variant is reported in 0.012% of alleles in individuals of African descent in gnomAD. At this time, the clinical significance of this variant is uncertain due to the absence of conclusive functional and genetic evidence.

Ambry Genetics
Classification: Uncertain significance. Last evaluated: 2024-06-22. Review status: criteria provided, single submitter. Criteria: Ambry Variant Classification Scheme 2023. Collection method: clinical testing. Allele origin: germline.